The following is an entry in ClinVar:

ClinVar aggregate classification (germline): Pathogenic/Likely pathogenic. Review status: criteria provided, multiple submitters, no conflicts (2 of 4 stars). 3 submissions from 3 submitters: Pathogenic (2); Likely pathogenic (1). Last evaluated 2023-09-27.

Conditions:
Retinitis pigmentosa 26 (RP26). Identifiers: Orphanet 791, MedGen C1842127, MONDO:0012024, OMIM 608380.

Submissions (3):

Labcorp Genetics (formerly Invitae), Labcorp
Classification: Pathogenic. Last evaluated: 2023-09-27. Review status: criteria provided, single submitter. Criteria: Invitae Variant Classification Sherloc (09022015). Collection method: clinical testing. Allele origin: germline.
Comment: For these reasons, this variant has been classified as Pathogenic. ClinVar contains an entry for this variant (Variation ID: 872589). This variant has not been reported in the literature in individuals affected with CERKL-related conditions. This variant is not present in population databases (gnomAD no frequency). This sequence change creates a premature translational stop signal (p.Ser108*) in the CERKL gene. It is expected to result in an absent or disrupted protein product. Loss-of-function variants in CERKL are known to be pathogenic (PMID: 14681825, 23591405, 24043777).

Baylor Genetics
Classification: Likely pathogenic for Retinitis pigmentosa 26. Last evaluated: 2023-04-13. Review status: criteria provided, single submitter. Criteria: ACMG Guidelines, 2015. Collection method: clinical testing. Allele origin: unknown.

CeGaT Center for Human Genetics Tuebingen
Classification: Pathogenic. Last evaluated: 2022-01-01. Review status: criteria provided, single submitter. Criteria: CeGaT Center For Human Genetics Tuebingen Variant Classification Criteria Version 2. Collection method: clinical testing. Allele origin: germline. Affected: yes. Observed: 1 variant allele.

Literature cited by the submitters: PubMed 14681825 (cited by Labcorp Genetics (formerly Invitae), Labcorp); PubMed 23591405 (cited by Labcorp Genetics (formerly Invitae), Labcorp); PubMed 24043777 (cited by Labcorp Genetics (formerly Invitae), Labcorp).

NM_201548.5(CERKL):c.323_327del (p.Cys107_Ser108insTer)

Gene: CERKL (CERK like autophagy regulator; minus strand). Cytogenetic location: 2q31.3.
Variant type: Deletion.
Coding change: c.323_327del on transcript NM_201548.5 (MANE Select); coding-DNA positions 323 to 327, 5 bases deleted (CTGTT; older notation c.323_327delCTGTT).
Protein change: p.Cys107_Ser108insTer.
Molecular consequence: nonsense. On other transcripts: non-coding transcript variant (2).
Genome position (GRCh38, 1-based): chr2:181,603,991-181,603,995, AACAG deleted on the plus strand (CTGTT on the coding strand, the reverse complement: CERKL is on the minus strand); deleting any 5 consecutive bases within chr2:181,603,991-181,603,999 gives the same sequence; the c. name uses the placement nearest the transcript's 3' end. VCF-style (leftmost placement, unchanged base first): chr2-181603990-TAACAG-T. GRCh37 (hg19) VCF-style: chr2-182468717-TAACAG-T.
Other names: c.323_327del, p.Cys107_Ser108insTer (NM_001030311.3, NM_001030312.3, NM_001030313.3 and 1 more transcripts).
Identifiers: ClinVar variation 872589 (VCV000872589.46), dbSNP rs1685567937, ClinGen allele CA1139657537.
Genomic context (GRCh38, chr2:181,603,990, plus strand): 5'-GTTCCTTTTTCAAGCAGATGAAGAGTGTGATACCTAATAAAGTACCACTTCTCTGCTGTT[TAACAG>T]AACAACGCCGTTTCAGTTTCACAGAGAATATGTCTTTGAGTTCAATAAATTCTTCTTTAC-3'